The following is an entry in ClinVar:

NM_014515.7(CNOT2):c.7A>G (p.Arg3Gly)

Gene: CNOT2 (CCR4-NOT transcription complex subunit 2; plus strand). Cytogenetic location: 12q15.
Variant type: single nucleotide variant.
Coding change: c.7A>G on transcript NM_014515.7 (MANE Select); coding-DNA position 7, A replaced by G.
Protein change: p.Arg3Gly; replaces arginine 3 with glycine.
Molecular consequence: missense variant. On other transcripts: 5 prime UTR variant (6), non-coding transcript variant (1), intron variant (1).
Genome position (GRCh38, 1-based): chr12:70,278,233, A>G. VCF-style: chr12-70278233-A-G. GRCh37 (hg19) VCF-style: chr12-70672013-A-G.
Other names: c.7A>G, p.Arg3Gly (NM_001199302.2, NM_001199303.2, NM_001414651.1 and 4 more transcripts); c.-245A>G (NM_001414653.1); c.-79A>G (NM_001414654.1); c.-432A>G (NM_001414655.1); c.-233A>G (NM_001414657.1); c.-215A>G (NM_001414659.1); c.-241A>G (NM_001414660.1); c.-12-32662A>G (NM_001414658.1); short protein forms R3G.
Identifiers: ClinVar variation 3362073 (VCV003362073.1).

ClinVar aggregate classification (germline): Uncertain significance (1 of 4 stars; one submission).

Submission:

GeneDx
Classification: Uncertain significance. Last evaluated: 2023-06-04. Review status: criteria provided, single submitter. Criteria: GeneDx Variant Classification Process June 2021. Collection method: clinical testing. Allele origin: germline. Affected: yes.
Comment: Not observed at significant frequency in large population cohorts (gnomAD); In silico analysis supports that this missense variant has a deleterious effect on protein structure/function; Has not been previously published as pathogenic or benign to our knowledge